The following is an entry in ClinVar:

NM_014362.4(HIBCH):c.1038T>A (p.Val346=)

Gene: HIBCH (3-hydroxyisobutyryl-CoA hydrolase; minus strand). Cytogenetic location: 2q32.2.
Variant type: single nucleotide variant.
Coding change: c.1038T>A on transcript NM_014362.4 (MANE Select); coding-DNA position 1038, T replaced by A.
Protein change: p.Val346=; no amino-acid change (valine 346 retained).
Molecular consequence: synonymous variant. On other transcripts: intron variant (1).
Genome position (GRCh38, 1-based): chr2:190,208,887, A>T on the plus strand (T>A on the coding strand, the complement: HIBCH is on the minus strand). VCF-style: chr2-190208887-A-T. GRCh37 (hg19) VCF-style: chr2-191073613-A-T.
Other names: p.Val346=; c.1012-3655T>A (NM_198047.3).
Identifiers: ClinVar variation 383058 (VCV000383058.17), dbSNP rs13406709, ClinGen allele CA2027378.
Genomic context (GRCh38, chr2:190,208,887, plus strand): 5'-TATGCTCACAAATCCCATTTCCCCAAAATGGTAAGTTCCCATTTGCCACTTACCAGCTCT[A>T]ACGCCTTCATGAAAGTCATGACCTCTCTGAAAGAAAATTGAGATTAAATGGGGATAATTT-3'
Protein context (NP_055177.2, residues 336-356): CMRGHDFHEG[Val346=]RAVLIDKDQS

ClinVar aggregate classification (germline): Benign/Likely benign. Review status: criteria provided, multiple submitters, no conflicts (2 of 4 stars). 5 submissions from 5 submitters: Benign (2); Likely benign (2). 1 of the submissions does not count toward it. Last evaluated 2026-01-28.

Conditions:
3-hydroxyisobutyryl-CoA hydrolase deficiency. Also called: Reduced circulating 3-hydroxyisobutyryl-CoA hydrolase activity; Deficiency of 3-hydroxyisobutyryl CoA hydrolase; HIBCH DEFICIENCY; METHACRYLIC ACID TOXICITY; METHACRYLIC ACIDURIA; VALINE METABOLIC DEFECT. Identifiers: Orphanet 88639, MedGen C0342738, MONDO:0009603, OMIM 250620, HP:6000215.
HIBCH-related disorder. Also called: HIBCH-related condition.

Allele frequency attached by ClinVar (database versions not stated): gnomAD exomes 0.00056 and 0.00162; ExAC 0.00202; gnomAD 0.00596 and 0.00643; 1000 Genomes Project 0.00599; TOPMed 0.00672; 1000 Genomes Project 30x 0.00687; ESP Exome Variant Server 0.00807.
gnomAD v4.1: 1,755 of 1,613,614 alleles (0.11%); highest among the groups gnomAD compares: African/African-American, 2.1%; 20 homozygotes.

Submissions (13):

Labcorp Genetics (formerly Invitae), Labcorp
Classification: Benign for 3-hydroxyisobutyryl-CoA hydrolase deficiency. Last evaluated: 2026-01-28. Review status: criteria provided, single submitter. Criteria: Invitae Variant Classification Sherloc (09022015). Collection method: clinical testing. Allele origin: germline.

Mayo Clinic Laboratories, Mayo Clinic
Classification: Benign. Last evaluated: 2025-03-18. Review status: criteria provided, single submitter. Criteria: ACMG Guidelines, 2015. Collection method: clinical testing. Allele origin: germline. Observed: 11 variant alleles.
Comment: BS1, BS2, BP4, BP7

GeneDx
Classification: Likely benign. Last evaluated: 2017-06-21. Review status: criteria provided, single submitter. Criteria: GeneDx Variant Classification (06012015). Collection method: clinical testing. Allele origin: germline. Affected: yes.
Comment: This variant is considered likely benign or benign based on one or more of the following criteria: it is a conservative change, it occurs at a poorly conserved position in the protein, it is predicted to be benign by multiple in silico algorithms, and/or has population frequency not consistent with disease.

Breakthrough Genomics
Classification: Likely benign. Review status: criteria provided, single submitter. Criteria: ACMG Guidelines, 2015. Collection method: not provided. Allele origin: germline. Inheritance: Autosomal recessive inheritance. Affected: yes.

PreventionGenetics, part of Exact Sciences
Classification: Benign for HIBCH-related condition. Last evaluated: 2019-03-20. Review status: no assertion criteria provided. Collection method: clinical testing. Allele origin: germline. Not counted in ClinVar's aggregate classification.
Comment: This variant is classified as benign based on ACMG/AMP sequence variant interpretation guidelines (Richards et al. 2015 PMID: 25741868, with internal and published modifications).

Dr. Peter K. Rogan Lab, Western University
No classification provided (evidence only). Condition: Clear cell carcinoma of kidney. Review status: no classification provided. Collection method: in vitro. Allele origin: not applicable. Functional consequence: retained intron. Not counted in ClinVar's aggregate classification.

Dr. Peter K. Rogan Lab, Western University
No classification provided (evidence only). Condition: Lung cancer. Review status: no classification provided. Collection method: in vitro. Allele origin: not applicable. Functional consequence: retained intron. Not counted in ClinVar's aggregate classification.

Dr. Peter K. Rogan Lab, Western University
No classification provided (evidence only). Condition: Lung cancer. Review status: no classification provided. Collection method: in vitro. Allele origin: not applicable. Functional consequence: retained intron. Not counted in ClinVar's aggregate classification.

Dr. Peter K. Rogan Lab, Western University
No classification provided (evidence only). Condition: Acute myeloid leukemia. Review status: no classification provided. Collection method: in vitro. Allele origin: not applicable. Functional consequence: retained intron. Not counted in ClinVar's aggregate classification.

Dr. Peter K. Rogan Lab, Western University
No classification provided (evidence only). Condition: Thyroid cancer, nonmedullary, 1. Review status: no classification provided. Collection method: in vitro. Allele origin: not applicable. Functional consequence: retained intron. Not counted in ClinVar's aggregate classification.

Dr. Peter K. Rogan Lab, Western University
No classification provided (evidence only). Condition: Cervical cancer. Review status: no classification provided. Collection method: in vitro. Allele origin: not applicable. Functional consequence: retained intron. Not counted in ClinVar's aggregate classification.

Dr. Peter K. Rogan Lab, Western University
No classification provided (evidence only). Condition: Thymoma. Review status: no classification provided. Collection method: in vitro. Allele origin: not applicable. Functional consequence: retained intron. Not counted in ClinVar's aggregate classification.

Dr. Peter K. Rogan Lab, Western University
No classification provided (evidence only). Condition: Gastric cancer. Review status: no classification provided. Collection method: in vitro. Allele origin: not applicable. Functional consequence: retained intron. Not counted in ClinVar's aggregate classification.